The following is an entry in ClinVar:

ClinVar aggregate classification (germline): Conflicting classifications of pathogenicity. Review status: criteria provided, conflicting classifications (1 of 4 stars). 7 submissions from 6 submitters: Uncertain significance (2); Likely benign (4). 1 of the submissions does not count toward it. Last evaluated 2026-08-01.

Conditions:
SCN1A-related disorder. Also called: SCN1A-related disorders; SCN1A-related conditions; SCN1A-related condition.
Generalized epilepsy with febrile seizures plus, type 2 (GEFSP2). Also called: GEFS+, TYPE 2. Identifiers: Orphanet 36387, MedGen C1858673, MONDO:0011461, OMIM 604403.
Migraine, familial hemiplegic, 3. Identifiers: Orphanet 569, MedGen C1864987, MONDO:0012320, OMIM 609634.
Early-infantile DEE. Also called: Early infantile epileptic encephalopathy with suppression bursts; Early infantile epileptic encephalopathy; Ohtahara syndrome. Identifiers: Orphanet 1934, MedGen C0393706, MONDO:0800491.

Allele frequency attached by ClinVar (database versions not stated): ExAC 0.00001; gnomAD 0.00002; gnomAD exomes 0.00002 and 0.00003; TOPMed 0.00003.
gnomAD v4.1: 43 of 1,613,990 alleles (0.0027%); highest among the groups gnomAD compares: Non-Finnish European, 0.0035%; no homozygotes.

Submissions (7):

CeGaT Center for Human Genetics Tuebingen
Classification: Likely benign. Last evaluated: 2026-08-01. Review status: criteria provided, single submitter. Criteria: CeGaT Center For Human Genetics Tuebingen Variant Classification Criteria Version 2. Collection method: clinical testing. Allele origin: germline. Affected: yes. Observed: 1 variant allele.
Comment: SCN1A: BP4, BP7

Labcorp Genetics (formerly Invitae), Labcorp
Classification: Likely benign for Early-infantile DEE. Last evaluated: 2025-02-26. Review status: criteria provided, single submitter. Criteria: Invitae Variant Classification Sherloc (09022015). Collection method: clinical testing. Allele origin: germline.

Blueprint Genetics
Classification: Likely benign. Last evaluated: 2024-03-05. Review status: criteria provided, single submitter. Criteria: ACMG Guidelines, 2015. Collection method: clinical testing. Allele origin: germline.

GeneDx
Classification: Likely benign. Last evaluated: 2019-02-18. Review status: criteria provided, single submitter. Criteria: GeneDx Variant Classification Process June 2021. Collection method: clinical testing. Allele origin: germline. Affected: yes.

Illumina Laboratory Services, Illumina
Classification: Uncertain significance for Migraine, familial hemiplegic, 3. Last evaluated: 2017-12-11. Review status: criteria provided, single submitter. Criteria: ICSL Variant Classification Criteria 13 December 2019. Collection method: clinical testing. Allele origin: germline.

Illumina Laboratory Services, Illumina
Classification: Uncertain significance for Generalized epilepsy with febrile seizures plus, type 2. Last evaluated: 2017-12-11. Review status: criteria provided, single submitter. Criteria: ICSL Variant Classification Criteria 13 December 2019. Collection method: clinical testing. Allele origin: germline.

PreventionGenetics, part of Exact Sciences
Classification: Likely benign for SCN1A-related condition. Last evaluated: 2024-07-12. Review status: no assertion criteria provided. Collection method: clinical testing. Allele origin: germline. Not counted in ClinVar's aggregate classification.
Comment: This variant is classified as likely benign based on ACMG/AMP sequence variant interpretation guidelines (Richards et al. 2015 PMID: 25741868, with internal and published modifications).

NM_001165963.4(SCN1A):c.2838C>T (p.Arg946=)

Gene: SCN1A (sodium voltage-gated channel alpha subunit 1; minus strand). Cytogenetic location: 2q24.3.
Variant type: single nucleotide variant.
Coding change: c.2838C>T on transcript NM_001165963.4 (MANE Select); coding-DNA position 2838, C replaced by T.
Protein change: p.Arg946=; no amino-acid change (arginine 946 retained).
Molecular consequence: synonymous variant. On other transcripts: non-coding transcript variant (1).
Genome position (GRCh38, 1-based): chr2:166,037,884, G>A on the plus strand (C>T on the coding strand, the complement: SCN1A is on the minus strand). VCF-style: chr2-166037884-G-A. GRCh37 (hg19) VCF-style: chr2-166894394-G-A.
Other names: c.2838C>T (NM_001202435.1); c.2754C>T, p.Arg918= (NM_001165964.3, NM_001353957.2, NM_001353958.2); c.2838C>T, p.Arg946= (NM_001202435.3, NM_001353948.2); c.2805C>T, p.Arg935= (NM_001353949.2, NM_001353950.2, NM_001353951.2 and 2 more transcripts); c.2802C>T, p.Arg934= (NM_001353954.2, NM_001353955.2); c.2751C>T, p.Arg917= (NM_001353960.2); c.396C>T, p.Arg132= (NM_001353961.2).
Identifiers: ClinVar variation 695620 (VCV000695620.16), dbSNP rs764174474, ClinGen allele CA1943046.